The following is an entry in ClinVar:

ClinVar aggregate classification (germline): Uncertain significance (1 of 4 stars; one submission).

Conditions:
Glycogen storage disease IXd (GSD9D). Also called: Muscle Phosphorylase Kinase Deficiency; GSD IXd. Identifiers: Orphanet 715, MedGen C1845151, MONDO:0010362, OMIM 300559.

Submission:

Labcorp Genetics (formerly Invitae), Labcorp
Classification: Uncertain significance for Glycogen storage disease IXd. Last evaluated: 2024-05-29. Review status: criteria provided, single submitter. Criteria: Invitae Variant Classification Sherloc (09022015). Collection method: clinical testing. Allele origin: germline.
Comment: This sequence change replaces histidine, which is basic and polar, with glutamine, which is neutral and polar, at codon 752 of the PHKA1 protein (p.His752Gln). This variant is not present in population databases (gnomAD no frequency). This variant has not been reported in the literature in individuals affected with PHKA1-related conditions. An algorithm developed to predict the effect of missense changes on protein structure and function (PolyPhen-2) suggests that this variant is likely to be tolerated. In summary, the available evidence is currently insufficient to determine the role of this variant in disease. Therefore, it has been classified as a Variant of Uncertain Significance.

NM_002637.4(PHKA1):c.2256T>A (p.His752Gln)

Gene: PHKA1 (phosphorylase kinase regulatory subunit alpha 1; minus strand). Cytogenetic location: Xq13.1.
Variant type: single nucleotide variant.
Coding change: c.2256T>A on transcript NM_002637.4 (MANE Select); coding-DNA position 2256, T replaced by A.
Protein change: p.His752Gln; replaces histidine 752 with glutamine.
Molecular consequence: missense variant.
Genome position (GRCh38, 1-based): chrX:72,618,823, A>T on the plus strand (T>A on the coding strand, the complement: PHKA1 is on the minus strand). VCF-style: chrX-72618823-A-T. GRCh37 (hg19) VCF-style: chrX-71838673-A-T.
Other names: c.2256T>A, p.His752Gln (NM_001122670.2, NM_001431068.1); c.2079T>A, p.His693Gln (NM_001172436.2); short protein forms H752Q, H693Q.
Identifiers: ClinVar variation 3654942 (VCV003654942.2).